The following is an entry in ClinVar:

ClinVar aggregate classification (germline): Uncertain significance (1 of 4 stars; one submission).

Allele frequency attached by ClinVar (database versions not stated): gnomAD exomes below 0.00001; TOPMed 0.00004.
gnomAD v4.1: 2 of 1,567,828 alleles (0.00013%); highest among the groups gnomAD compares: Admixed American, 0.0038%; no homozygotes.

Submission:

Labcorp Genetics (formerly Invitae), Labcorp
Classification: Uncertain significance. Last evaluated: 2024-06-26. Review status: criteria provided, single submitter. Criteria: Invitae Variant Classification Sherloc (09022015). Collection method: clinical testing. Allele origin: germline.
Comment: This sequence change creates a premature translational stop signal (p.Gln240*) in the SLC26A1 gene. While this is not anticipated to result in nonsense mediated decay, it is expected to disrupt the last 462 amino acid(s) of the SLC26A1 protein. The frequency data for this variant in the population databases is considered unreliable, as metrics indicate poor data quality at this position in the gnomAD database. This variant has not been reported in the literature in individuals affected with SLC26A1-related conditions. ClinVar contains an entry for this variant (Variation ID: 1938984). Experimental studies and prediction algorithms are not available or were not evaluated, and the functional significance of this variant is currently unknown. In summary, the available evidence is currently insufficient to determine the role of this variant in disease. Therefore, it has been classified as a Variant of Uncertain Significance.

NM_022042.4(SLC26A1):c.718C>T (p.Gln240Ter)

Genes: IDUA (alpha-L-iduronidase; plus strand), SLC26A1 (solute carrier family 26 member 1; minus strand). Cytogenetic location: 4p16.3.
Variant type: single nucleotide variant.
Coding change: c.718C>T on transcript NM_022042.4 (MANE Select); coding-DNA position 718, C replaced by T.
Protein change: p.Gln240Ter; replaces glutamine 240 with a stop codon.
Molecular consequence: nonsense. On other transcripts: intron variant (2).
Genome position (GRCh38, 1-based): chr4:990,221, G>A on the plus strand (C>T on the coding strand, the complement: SLC26A1 is on the minus strand). VCF-style: chr4-990221-G-A. GRCh37 (hg19) VCF-style: chr4-984009-G-A.
Other names: c.718C>T, p.Gln240Ter (NM_213613.4); c.576+907C>T (NM_134425.4); c.299+2272G>A (NM_000203.5); short protein forms Q240*.
Identifiers: ClinVar variation 1938984 (VCV001938984.5), dbSNP rs1369885594, ClinGen allele CA355955710.